The following is an entry in ClinVar:

ClinVar aggregate classification (germline): Uncertain significance (1 of 4 stars; one submission).

Conditions:
Retinitis pigmentosa 73 (RP73). Identifiers: Orphanet 791, MedGen C4225287, MONDO:0014687, OMIM 616544.
Mucopolysaccharidosis, MPS-III-C (MPS3C). Also called: SANFILIPPO SYNDROME C; MPS III C; Mucopolysaccharidosis type IIIC (Sanfilippo C); MUCOPOLYSACCHARIDOSIS, TYPE IIIC; mucopolysaccharidosis type 3C; MPS IIIC (Sanfilippo Syndrome Type C). Identifiers: Orphanet 581, Orphanet 79271, MedGen C0086649, MONDO:0009657, OMIM 252930.

Allele frequency attached by ClinVar (database versions not stated): gnomAD exomes 0.00001.

Submission:

Labcorp Genetics (formerly Invitae), Labcorp
Classification: Uncertain significance for Retinitis pigmentosa 73; Mucopolysaccharidosis, MPS-III-C. Last evaluated: 2022-07-22. Review status: criteria provided, single submitter. Criteria: Invitae Variant Classification Sherloc (09022015). Collection method: clinical testing. Allele origin: germline.
Comment: This sequence change replaces leucine, which is neutral and non-polar, with phenylalanine, which is neutral and non-polar, at codon 409 of the HGSNAT protein (p.Leu409Phe). This variant is not present in population databases (gnomAD no frequency). This variant has not been reported in the literature in individuals affected with HGSNAT-related conditions. Advanced modeling of protein sequence and biophysical properties (such as structural, functional, and spatial information, amino acid conservation, physicochemical variation, residue mobility, and thermodynamic stability) performed at Invitae indicates that this missense variant is not expected to disrupt HGSNAT protein function. In summary, the available evidence is currently insufficient to determine the role of this variant in disease. Therefore, it has been classified as a Variant of Uncertain Significance.

NM_152419.3(HGSNAT):c.1225C>T (p.Leu409Phe)

Gene: HGSNAT (heparan-alpha-glucosaminide N-acetyltransferase; plus strand). Cytogenetic location: 8p11.21.
Variant type: single nucleotide variant.
Coding change: c.1225C>T on transcript NM_152419.3 (MANE Select); coding-DNA position 1225, C replaced by T.
Protein change: p.Leu409Phe; replaces leucine 409 with phenylalanine.
Molecular consequence: missense variant.
Genome position (GRCh38, 1-based): chr8:43,191,570, C>T. VCF-style: chr8-43191570-C-T. GRCh37 (hg19) VCF-style: chr8-43046713-C-T.
Other names: c.1225C>T, p.Leu409Phe (NM_001363227.2); c.1033C>T, p.Leu345Phe (NM_001363228.2); c.361C>T, p.Leu121Phe (NM_001363229.2); short protein forms L121F, L409F, L345F.
Identifiers: ClinVar variation 2041834 (VCV002041834.1), dbSNP rs2487083926, ClinGen allele CA371119302.